The following is an entry in ClinVar:

NM_033118.4(MYLK2):c.637GGCCAGGCT[3] (p.213GQA[3])

Gene: MYLK2 (myosin light chain kinase 2; plus strand). Cytogenetic location: 20q11.21.
Variant type: Microsatellite.
Coding change: c.637GGCCAGGCT[3] on transcript NM_033118.4 (MANE Select); three copies in a row of the 9-base unit GGCCAGGCT starting at c.637; the reference has two copies in a row; one copy, 9 bases duplicated.
Protein change: p.213GQA[3].
Molecular consequence: inframe insertion.
Genome position (GRCh38, 1-based): chr20:31,821,611-31,821,619, GGCCAGGCT duplicated; duplicating any 9 consecutive bases within chr20:31,821,602-31,821,619 gives the same sequence; the position shown is the placement nearest the transcript's 3' end. VCF-style (leftmost placement, unchanged base first): chr20-31821601-A-AGGCCAGGCT. GRCh37 (hg19) VCF-style: chr20-30409404-A-AGGCCAGGCT.
Identifiers: ClinVar variation 1516763 (VCV001516763.8), dbSNP rs2062252502, ClinGen allele CA2360016272.

ClinVar aggregate classification (germline): Uncertain significance (1 of 4 stars; one submission).

Conditions:
Hypertrophic cardiomyopathy 1 (CMH1). Also called: Familial hypertrophic cardiomyopathy 1; MYH7-Related Familial Hypertrophic Cardiomyopathy. Identifiers: MedGen C3495498, MONDO:0008647, OMIM 192600.

Submission:

Labcorp Genetics (formerly Invitae), Labcorp
Classification: Uncertain significance for Hypertrophic cardiomyopathy 1. Last evaluated: 2021-07-26. Review status: criteria provided, single submitter. Criteria: Invitae Variant Classification Sherloc (09022015). Collection method: clinical testing. Allele origin: germline.
Comment: In summary, the available evidence is currently insufficient to determine the role of this variant in disease. Therefore, it has been classified as a Variant of Uncertain Significance. Experimental studies and prediction algorithms are not available or were not evaluated, and the functional significance of this variant is currently unknown. This variant has not been reported in the literature in individuals with MYLK2-related conditions. This variant is not present in population databases (ExAC no frequency). This variant, c.646_654dup, results in the insertion of 3 amino acid(s) to the MYLK2 protein (p.Gly216_Ala218dup), but otherwise preserves the integrity of the reading frame.